The following is an entry in ClinVar:

ClinVar aggregate classification (germline): Uncertain significance. Review status: criteria provided, multiple submitters, no conflicts (2 of 4 stars). 4 submissions from 4 submitters: Uncertain significance (3). 1 of the submissions does not count toward it. Last evaluated 2025-08-23.

Conditions:
LAGE3-related disorder. Also called: LAGE3-related condition.

Submissions (4):

Ambry Genetics
Classification: Uncertain significance. Last evaluated: 2025-08-23. Review status: criteria provided, single submitter. Criteria: Ambry Variant Classification Scheme 2023. Collection method: clinical testing. Allele origin: germline.

Labcorp Genetics (formerly Invitae), Labcorp
Classification: Uncertain significance. Last evaluated: 2025-02-06. Review status: criteria provided, single submitter. Criteria: Invitae Variant Classification Sherloc (09022015). Collection method: clinical testing. Allele origin: germline.
Comment: This sequence change replaces aspartic acid, which is acidic and polar, with histidine, which is basic and polar, at codon 3 of the LAGE3 protein (p.Asp3His). This variant is present in population databases (rs782761326, gnomAD 0.1%). This variant has not been reported in the literature in individuals affected with LAGE3-related conditions. ClinVar contains an entry for this variant (Variation ID: 2196205). Experimental studies and prediction algorithms are not available or were not evaluated, and the functional significance of this variant is currently unknown. In summary, the available evidence is currently insufficient to determine the role of this variant in disease. Therefore, it has been classified as a Variant of Uncertain Significance.

Women's Health and Genetics/Laboratory Corporation of America, LabCorp
Classification: Uncertain significance. Last evaluated: 2024-04-17. Review status: criteria provided, single submitter. Criteria: LabCorp Variant Classification Summary - May 2015. Collection method: clinical testing. Allele origin: germline.
Comment: Variant summary: LAGE3 c.7G>C (p.Asp3His) results in a non-conservative amino acid change in the encoded protein sequence. Four of five in-silico tools predict a benign effect of the variant on protein function. The frequency data for this variant in gnomAD is considered unreliable, as metrics indicate poor data quality at this position. To our knowledge, no occurrence of c.7G>C in individuals affected with Galloway-Mowat Syndrome 2, X-Linked and no experimental evidence demonstrating its impact on protein function have been reported. ClinVar contains an entry for this variant (Variation ID: 2196205). Based on the evidence outlined above, the variant was classified as uncertain significance.

PreventionGenetics, part of Exact Sciences
Classification: Likely benign for LAGE3-related condition. Last evaluated: 2022-05-05. Review status: no assertion criteria provided. Collection method: clinical testing. Allele origin: germline. Not counted in ClinVar's aggregate classification.
Comment: This variant is classified as likely benign based on ACMG/AMP sequence variant interpretation guidelines (Richards et al. 2015 PMID: 25741868, with internal and published modifications).

NM_006014.5(LAGE3):c.7G>C (p.Asp3His)

Gene: LAGE3 (L antigen family member 3; minus strand). Cytogenetic location: Xq28.
Variant type: single nucleotide variant.
Coding change: c.7G>C on transcript NM_006014.5 (MANE Select); coding-DNA position 7, G replaced by C.
Protein change: p.Asp3His; replaces aspartic acid 3 with histidine.
Molecular consequence: missense variant.
Genome position (GRCh38, 1-based): chrX:154,478,909, C>G on the plus strand (G>C on the coding strand, the complement: LAGE3 is on the minus strand). VCF-style: chrX-154478909-C-G. GRCh37 (hg19) VCF-style: chrX-153707248-C-G.
Other names: c.7G>C (NM_006014.3, NM_006014.4); short protein forms D3H.
Identifiers: ClinVar variation 2196205 (VCV002196205.10), dbSNP rs782761326, ClinGen allele CA10565299.
Genomic context (GRCh38, chrX:154,478,909, plus strand): 5'-AGCTGTGGCCACCCCGGCCATCCCCGCCGTCAGCGCCTCCGCCTGCGTCTGCATCCGCGT[C>G]CCGCATGACCGCCGCCGCGCCGCTCCGACTCCACCCCCGAAGCGCAGGTCCTACGCCCCG-3'
Protein context (NP_006005.2, residues 1-13): MR[Asp3His]ADADAGGGAD